The following is an entry in ClinVar:

NM_005908.4(MANBA):c.973A>G (p.Thr325Ala)

Gene: MANBA (mannosidase beta; minus strand). Cytogenetic location: 4q24.
Variant type: single nucleotide variant.
Coding change: c.973A>G on transcript NM_005908.4 (MANE Select); coding-DNA position 973, A replaced by G.
Protein change: p.Thr325Ala; replaces threonine 325 with alanine.
Molecular consequence: missense variant.
Genome position (GRCh38, 1-based): chr4:102,674,058, T>C on the plus strand (A>G on the coding strand, the complement: MANBA is on the minus strand). VCF-style: chr4-102674058-T-C. GRCh37 (hg19) VCF-style: chr4-103595215-T-C.
Other names: short protein forms T325A.
Identifiers: ClinVar variation 2157779 (VCV002157779.4), dbSNP rs942496369, ClinGen allele CA102699072.

ClinVar aggregate classification (germline): Uncertain significance (1 of 4 stars; one submission).

Conditions:
Beta-D-mannosidosis (MANSB). Also called: Beta-Mannosidosis; MANNOSIDOSIS, BETA A, LYSOSOMAL; BETA-MANNOSIDASE DEFICIENCY; LYSOSOMAL BETA-MANNOSIDASE DEFICIENCY. Identifiers: Orphanet 118, MedGen C4048196, MONDO:0009562, OMIM 248510.

Allele frequency attached by ClinVar (database versions not stated): gnomAD exomes below 0.00001; TOPMed 0.00002; gnomAD 0.00003.

Submission:

Labcorp Genetics (formerly Invitae), Labcorp
Classification: Uncertain significance for Beta-D-mannosidosis. Last evaluated: 2024-12-02. Review status: criteria provided, single submitter. Criteria: Invitae Variant Classification Sherloc (09022015). Collection method: clinical testing. Allele origin: germline.
Comment: This sequence change replaces threonine, which is neutral and polar, with alanine, which is neutral and non-polar, at codon 325 of the MANBA protein (p.Thr325Ala). This variant is present in population databases (no rsID available, gnomAD 0.003%). This variant has not been reported in the literature in individuals affected with MANBA-related conditions. ClinVar contains an entry for this variant (Variation ID: 2157779). Invitae Evidence Modeling of protein sequence and biophysical properties (such as structural, functional, and spatial information, amino acid conservation, physicochemical variation, residue mobility, and thermodynamic stability) indicates that this missense variant is not expected to disrupt MANBA protein function with a negative predictive value of 80%. In summary, the available evidence is currently insufficient to determine the role of this variant in disease. Therefore, it has been classified as a Variant of Uncertain Significance.